The following is an entry in ClinVar:

NM_144997.7(FLCN):c.1432+8C>T

Gene: FLCN (folliculin; minus strand). Cytogenetic location: 17p11.2.
Variant type: single nucleotide variant.
Coding change: c.1432+8C>T on transcript NM_144997.7 (MANE Select); 8 bases into the intron after coding-DNA position 1432, C replaced by T.
Molecular consequence: intron variant.
Genome position (GRCh38, 1-based): chr17:17,215,177, G>A on the plus strand (C>T on the coding strand, the complement: FLCN is on the minus strand). VCF-style: chr17-17215177-G-A. GRCh37 (hg19) VCF-style: chr17-17118491-G-A.
Other names: c.1432+8C>T (LRG_325t1, NM_144997.6, NM_001353231.2 and 1 more transcripts); c.1486+8C>T (NM_001353229.2).
Identifiers: ClinVar variation 460594 (VCV000460594.16), dbSNP rs201898226, ClinGen allele CA8416000.

ClinVar aggregate classification (germline): Conflicting classifications of pathogenicity. Review status: criteria provided, conflicting classifications (1 of 4 stars). 5 submissions from 5 submitters: Uncertain significance (1); Likely benign (4). Last evaluated 2026-02-02.

Conditions:
Birt-Hogg-Dube syndrome 1 (BHD1). Also called: FIBROFOLLICULOMAS WITH TRICHODISCOMAS AND ACROCHORDONS. Identifiers: Orphanet 122, MedGen CN375946, MONDO:0800445, OMIM 135150.
FLCN-related disorder. Also called: FLCN-related condition.
Familial spontaneous pneumothorax (PSP). Identifiers: Orphanet 2903, MedGen C1868193, MONDO:0008259, OMIM 173600.
Nonpapillary renal cell carcinoma. Identifiers: Orphanet 422526, MedGen CN074294, MONDO:0007763, OMIM 144700.
17p11.2 microduplication syndrome (PTLS). Also called: CHROMOSOME 17p11.2 DUPLICATION SYNDROME; Potocki-Lupski syndrome; Duplication 17p11.2 syndrome; Potocki-Lupski syndrome (dup(17)(p11.2p11.2)). Identifiers: Orphanet 1713, MedGen C2931246, MONDO:0012574, OMIM 610883.
Colorectal cancer. Also called: Malignant Colorectal Neoplasm; Colorectal cancer, somatic. Identifiers: MedGen C0346629, MONDO:0005575, OMIM 114500.
Birt-Hogg-Dube syndrome. Also called: Birt Hogg Dubé syndrome. Identifiers: Orphanet 122, MedGen C0346010, MONDO:0800444.

Allele frequency attached by ClinVar (database versions not stated): ExAC 0.00002; gnomAD 0.00008 and 0.00009; TOPMed 0.00015; 1000 Genomes Project 30x 0.00016; 1000 Genomes Project 0.00020.

Submissions (5):

Labcorp Genetics (formerly Invitae), Labcorp
Classification: Likely benign for Birt-Hogg-Dube syndrome. Last evaluated: 2026-02-02. Review status: criteria provided, single submitter. Criteria: Invitae Variant Classification Sherloc (09022015). Collection method: clinical testing. Allele origin: germline.

PreventionGenetics, part of Exact Sciences
Classification: Likely benign for FLCN-related condition. Last evaluated: 2025-10-06. Review status: criteria provided, single submitter. Criteria: ACMG Guidelines, 2015. Collection method: clinical testing. Allele origin: germline.
Comment: This variant is classified as likely benign based on ACMG/AMP sequence variant interpretation guidelines (Richards et al. 2015 PMID: 25741868, with internal and published modifications).

Quest Diagnostics Nichols Institute San Juan Capistrano
Classification: Uncertain significance. Last evaluated: 2025-07-04. Review status: criteria provided, single submitter. Criteria: Quest Diagnostics criteria. Collection method: clinical testing. Allele origin: unknown.
Comment: The FLCN c.1432+8C>T variant has not been reported in individuals with FLCN-related conditions in the published literature. The frequency of this variant in the general population (Genome Aggregation Database) is uninformative in the assessment of its pathogenicity. Analysis of this variant using software algorithms for the prediction of the effect of nucleotide changes on splicing yielded predictions that this variant does not affect FLCN mRNA splicing. Based on the available information, we are unable to determine the clinical significance of this variant.

Myriad Genetics, Inc.
Classification: Likely benign for Birt-Hogg-Dube syndrome 1. Last evaluated: 2024-10-25. Review status: criteria provided, single submitter. Criteria: Myriad Autosomal Dominant, Autosomal Recessive and X-Linked Classification Criteria (2023). Collection method: clinical testing. Allele origin: unknown.
Comment: This variant is considered likely benign. This variant is intronic and is not expected to impact mRNA splicing.

Fulgent Genetics
Classification: Likely benign for Colorectal cancer; Birt-Hogg-Dube syndrome 1; Nonpapillary renal cell carcinoma; Familial spontaneous pneumothorax; 17p11.2 microduplication syndrome. Last evaluated: 2022-04-26. Review status: criteria provided, single submitter. Criteria: ACMG Guidelines, 2015. Collection method: clinical testing. Allele origin: unknown.